The following is an entry in ClinVar:

NM_021733.2(TSKS):c.1599G>A (p.Leu533=)

Gene: TSKS (testis specific serine kinase substrate; minus strand). Cytogenetic location: 19q13.33.
Variant type: single nucleotide variant.
Coding change: c.1599G>A on transcript NM_021733.2 (MANE Select); coding-DNA position 1599, G replaced by A.
Protein change: p.Leu533=; no amino-acid change (leucine 533 retained).
Molecular consequence: synonymous variant.
Genome position (GRCh38, 1-based): chr19:49,740,082, C>T on the plus strand (G>A on the coding strand, the complement: TSKS is on the minus strand). VCF-style: chr19-49740082-C-T. GRCh37 (hg19) VCF-style: chr19-50243339-C-T.
Identifiers: ClinVar variation 3390005 (VCV003390005.14).

ClinVar aggregate classification (germline): Likely benign (1 of 4 stars; one submission).

Submission:

CeGaT Center for Human Genetics Tuebingen
Classification: Likely benign. Last evaluated: 2024-10-01. Review status: criteria provided, single submitter. Criteria: CeGaT Center For Human Genetics Tuebingen Variant Classification Criteria Version 2. Collection method: clinical testing. Allele origin: germline. Affected: yes. Observed: 1 variant allele.
Comment: TSKS: PM2:Supporting, BP4, BP7